The following is an entry in ClinVar:

NM_025114.4(CEP290):c.1984C>T (p.Gln662Ter)

Gene: CEP290 (centrosomal protein 290; minus strand). Cytogenetic location: 12q21.32.
Variant type: single nucleotide variant.
Coding change: c.1984C>T on transcript NM_025114.4 (MANE Select); coding-DNA position 1984, C replaced by T.
Protein change: p.Gln662Ter; replaces glutamine 662 with a stop codon.
Molecular consequence: nonsense.
Genome position (GRCh38, 1-based): chr12:88,114,488, G>A on the plus strand (C>T on the coding strand, the complement: CEP290 is on the minus strand). VCF-style: chr12-88114488-G-A. GRCh37 (hg19) VCF-style: chr12-88508265-G-A.
Other names: NM_025114.4(CEP290):c.1984C>T; p.Gln662Ter; short protein forms Q662*.
Identifiers: ClinVar variation 56733 (VCV000056733.44), dbSNP rs386834152, ClinGen allele CA144389.

ClinVar aggregate classification (germline): Pathogenic. Review status: reviewed by expert panel (3 of 4 stars). 17 submissions from 16 submitters: Pathogenic (1). 16 of the submissions do not count toward it. Last evaluated 2026-07-20.

Conditions:
CEP290-related ciliopathy. Also called: CEP290 ciliopathy. Identifiers: MedGen CN305601, MONDO:0100451.
CEP290-related disorder. Also called: CEP290-related condition; CEP290-related disorders. Identifiers: MedGen CN239314.
Autosomal recessive CEP290-related disorders.
Meckel-Gruber syndrome. Also called: DYSENCEPHALIA SPLANCHNOCYSTICA; GRUBER SYNDROME; Dysencephalia splachnocystica. Identifiers: Orphanet 564, MedGen C0265215, MONDO:0018921.
Joubert syndrome. Also called: JOUBERT-BOLTSHAUSER SYNDROME; Familial aplasia of the vermis. Identifiers: Orphanet 475, MedGen C5979921, MONDO:0018772.
Nephronophthisis. Also called: Juvenile Nephronophthisis. Identifiers: Orphanet 655, MedGen C0687120, MONDO:0019005, HP:0000090.
Senior-Loken syndrome 6 (SLSN6). Identifiers: Orphanet 3156, MedGen C1857779, MONDO:0012433, OMIM 610189.
Leber congenital amaurosis 10 (LCA10). Identifiers: Orphanet 65, MedGen C1857821, MONDO:0012723, OMIM 611755.
Meckel syndrome, type 4 (MKS4). Also called: MECKEL-GRUBER SYNDROME, TYPE 4. Identifiers: Orphanet 564, MedGen C1970161, MONDO:0012626, OMIM 611134.
Joubert syndrome 5 (JBTS5). Identifiers: Orphanet 2318, MedGen C1857780, MONDO:0012432, OMIM 610188.
Bardet-Biedl syndrome 14 (BBS14). Identifiers: Orphanet 110, MedGen C2673874, MONDO:0014442, OMIM 615991.
Leber congenital amaurosis (LCA). Also called: Leber's amaurosis. Identifiers: Orphanet 65, MedGen C0339527, MeSH D057130, MONDO:0018998.
Retinitis pigmentosa (RP). Identifiers: Orphanet 791, MedGen C0035334, MeSH D012174, MONDO:0019200, OMIM 268000. Inheritance: Autosomal dominant, autosomal recessive and X linked inheritance.
Senior-Loken syndrome 1 (SLSN1). Also called: JUVENILE NEPHRONOPHTHISIS WITH LEBER AMAUROSIS. Identifiers: Orphanet 3156, MedGen C4551559, MONDO:0009962, OMIM 266900.

Allele frequency attached by ClinVar (database versions not stated): gnomAD exomes 0.00010 and 0.00005; gnomAD 0.00005; TOPMed 0.00005.
gnomAD v4.1: 137 of 1,547,552 alleles (0.0089%); highest among the groups gnomAD compares: Non-Finnish European, 0.011%; no homozygotes.

Submissions 1 to 10 of 17:

ClinGen Leber Congenital Amaurosis/early Onset Retinal Dystrophy Variant Curation Expert Panel, ClinGen
Classification: Pathogenic for CEP290-related ciliopathy. Last evaluated: 2026-07-20. Review status: reviewed by expert panel. Criteria: ClinGen LCAeoRD ACMG Specifications CEP290 V1.0.0. Collection method: curation. Allele origin: germline. Inheritance: Autosomal recessive inheritance.
Comment: NM_025114.4(CEP290):c.1984C>T (p.Gln662Ter) is a nonsense variant that introduces a premature stop codon into exon 20 of 54 and is predicted to lead to nonsense-mediated decay in a gene in which loss-of-function is an established mechanism of disease (PVS1). This variant is present in gnomAD v4.1.0 at a total allele frequency of 0.00008853, with 137 alleles / 1547552 total alleles, which is lower than the ClinGen LCA/eoRD VCEP PM2_Supporting threshold of <0.0006 (PM2_Supporting). The variant has been reported to segregate with Meckel-Gruber syndrome or a Meckel-Gruber syndrome-like phenotype through the proband plus 1 similarly affected relative, with the variant present as part of a compound heterozygous genotype with NM_025114.4(CEP290):c.679_680del (p.Glu227fs) (PMID: 23351400, PP1). In summary, this variant meets the criteria to be classified as Pathogenic for CEP290-related ciliopathy based on the ACMG/AMP criteria applied, as specified by the ClinGen LCA/eoRD VCEP: PVS1, PM2_Supporting, and PP1. (LCA/eoRD VCEP Specifications for CEP290 Version 1.0.0)

PreventionGenetics, part of Exact Sciences
Classification: Pathogenic for CEP290-related condition. Last evaluated: 2026-06-23. Review status: criteria provided, single submitter. Criteria: ACMG Guidelines, 2015. Collection method: clinical testing. Allele origin: germline. Not counted in ClinVar's aggregate classification.
Comment: The CEP290 c.1984C>T variant is predicted to result in premature protein termination (p.Gln662*). This variant has been reported in multiple individuals with autosomal recessive CEP290-associated disorders (see for examples, Halbritter et al. 2013. PubMed ID: 23559409; Table S5, Bachmann-Gagescu et al. 2015. PubMed ID: 26092869; Sheck et al. 2018. PubMed ID: 29398085; Table S4, Jespersgaard et al. 2019. PubMed ID: 30718709). This variant is reported in 0.012% of alleles in individuals of European (non-Finnish) descent in gnomAD. Nonsense variants in CEP290 are expected to be pathogenic. This variant is interpreted as pathogenic.

Natera, Inc.
Classification: Pathogenic for Leber congenital amaurosis. Last evaluated: 2025-09-17. Review status: criteria provided, single submitter. Criteria: Natera Variant Classification Schema (03/2026). Collection method: clinical testing. Allele origin: germline. Not counted in ClinVar's aggregate classification.
Comment: The c.1984C>T variant in CEP290 is a nonsense variant predicted to introduce a stop codon at amino acid 662. This variant is expected to result in nonsense mediated decay, truncation, or a dysfunctional protein product. This variant is rare in the general population with a frequency below the threshold expected for the associated phenotype(s). This variant has been observed in one or more individuals affected with the associated recessive disease, as either homozygous or compound heterozygous with a second variant (PMID: 19466712, 19466712). Given the available evidence, this variant is classified as Pathogenic.

Myriad Genetics, Inc.
Classification: Pathogenic for CEP290-related ciliopathy. Last evaluated: 2025-08-29. Review status: criteria provided, single submitter. Criteria: Myriad Autosomal Dominant, Autosomal Recessive and X-Linked Classification Criteria (2023). Collection method: clinical testing. Allele origin: unknown. Not counted in ClinVar's aggregate classification.
Comment: NM_025114.3(CEP290):c.1984C>T(Q662*) is a nonsense variant classified as pathogenic in the context of CEP290-related disorders. Q662* has been observed in cases with relevant disease (PMID: 17564974, 26092869, 29398085). Relevant functional assessments of this variant are not available in the literature. Q662* has been observed in referenced population frequency databases. In summary, NM_025114.3(CEP290):c.1984C>T(Q662*) is a nonsense variant in a gene where loss of function is a known mechanism of disease, is predicted to disrupt protein function, and has been observed more frequently in cases with the relevant disease than in healthy populations. Please note: this variant was assessed in the context of healthy population screening.

Variantyx, Inc.
Classification: Pathogenic for Autosomal recessive CEP290-related disorders. Last evaluated: 2025-08-13. Review status: criteria provided, single submitter. Criteria: Variantyx Assertion Criteria 2022. Collection method: clinical testing. Allele origin: germline. Inheritance: Autosomal recessive inheritance. Affected: no. Not counted in ClinVar's aggregate classification.
Comment: This is a nonsense variant in the CEP290 gene (OMIM: 610142). Pathogenic variants in this gene have been associated with autosomal recessive CEP290-related disorders. This variant introduces a premature termination codon in exon 20 out of 54 and is expected to result in loss of function, which is a known disease mechanism for CEP290 in hese disorders (PMID: 23344081, 16909394) (PVS1). This variant has been identified in the homozygous or compound heterozygous state in multiple individuals reported in the published literature (PMID: 19466712, 23351400) (PM3). It has a 0.0114% maximum allele frequency in non-founder control populations (PM2). Based on the current evidence, this variant is classified as pathogenic for autosomal recessive CEP290-related disorders.

CeGaT Center for Human Genetics Tuebingen
Classification: Pathogenic. Last evaluated: 2024-04-01. Review status: criteria provided, single submitter. Criteria: CeGaT Center For Human Genetics Tuebingen Variant Classification Criteria Version 2. Collection method: clinical testing. Allele origin: germline. Affected: yes. Observed: 3 variant alleles. Not counted in ClinVar's aggregate classification.
Comment: CEP290: PM3:Very Strong, PVS1, PM2

Blueprint Genetics
Classification: Pathogenic for CEP290-related disorders. Last evaluated: 2024-03-19. Review status: criteria provided, single submitter. Criteria: ACMG Guidelines, 2015. Collection method: clinical testing. Allele origin: germline. Affected: yes. Observed: 5 variant alleles. Not counted in ClinVar's aggregate classification.

Baylor Genetics
Classification: Pathogenic for Bardet-Biedl syndrome 14. Last evaluated: 2024-03-14. Review status: criteria provided, single submitter. Criteria: ACMG Guidelines, 2015. Collection method: clinical testing. Allele origin: unknown. Not counted in ClinVar's aggregate classification.

Labcorp Genetics (formerly Invitae), Labcorp
Classification: Pathogenic for Joubert syndrome; Meckel-Gruber syndrome; Nephronophthisis. Last evaluated: 2024-02-10. Review status: criteria provided, single submitter. Criteria: Invitae Variant Classification Sherloc (09022015). Collection method: clinical testing. Allele origin: germline. Not counted in ClinVar's aggregate classification.
Comment: This sequence change creates a premature translational stop signal (p.Gln662*) in the CEP290 gene. It is expected to result in an absent or disrupted protein product. Loss-of-function variants in CEP290 are known to be pathogenic (PMID: 16909394, 17345604, 20690115). This variant is present in population databases (rs386834152, gnomAD 0.01%). This premature translational stop signal has been observed in individuals with CEP290-related conditions (PMID: 17564974, 19466712, 23188109, 23351400). ClinVar contains an entry for this variant (Variation ID: 56733). Algorithms developed to predict the effect of sequence changes on RNA splicing suggest that this variant may disrupt the consensus splice site. For these reasons, this variant has been classified as Pathogenic.

GeneDx
Classification: Pathogenic. Last evaluated: 2022-09-23. Review status: criteria provided, single submitter. Criteria: GeneDx Variant Classification Process June 2021. Collection method: clinical testing. Allele origin: germline. Affected: yes. Not counted in ClinVar's aggregate classification.
Comment: Nonsense variant predicted to result in protein truncation or nonsense mediated decay in a gene for which loss-of-function is a known mechanism of disease; Not observed at a significant frequency in large population cohorts (gnomAD); This variant is associated with the following publications: (PMID: 19764032, 23351400, 28829391, 19466712, 29398085, 23559409, 17564974, 26092869, 25525159, 30718709)